The following is an entry in ClinVar:

ClinVar aggregate classification (germline): Uncertain significance. Review status: criteria provided, multiple submitters, no conflicts (2 of 4 stars). 2 submissions from 2 submitters: Uncertain significance (2). Last evaluated 2025-11-17.

Conditions:
Inborn genetic diseases. Identifiers: MedGen C0950123, MeSH D030342.

Submissions (2):

Ambry Genetics
Classification: Uncertain significance for Inborn genetic diseases. Last evaluated: 2025-11-17. Review status: criteria provided, single submitter. Criteria: Ambry Variant Classification Scheme 2023. Collection method: clinical testing. Allele origin: germline.
Comment: The p.L150V variant (also known as c.448C>G), located in coding exon 3 of the ANKRD26 gene, results from a C to G substitution at nucleotide position 448. The leucine at codon 150 is replaced by valine, an amino acid with highly similar properties. This amino acid position is conserved. In addition, the in silico prediction for this alteration is inconclusive. Based on the available evidence, the clinical significance of this variant remains unclear.

Labcorp Genetics (formerly Invitae), Labcorp
Classification: Uncertain significance. Last evaluated: 2023-12-20. Review status: criteria provided, single submitter. Criteria: Invitae Variant Classification Sherloc (09022015). Collection method: clinical testing. Allele origin: germline.
Comment: This sequence change replaces leucine, which is neutral and non-polar, with valine, which is neutral and non-polar, at codon 150 of the ANKRD26 protein (p.Leu150Val). This variant is not present in population databases (gnomAD no frequency). This variant has not been reported in the literature in individuals affected with ANKRD26-related conditions. An algorithm developed to predict the effect of missense changes on protein structure and function (PolyPhen-2) suggests that this variant is likely to be disruptive. In summary, the available evidence is currently insufficient to determine the role of this variant in disease. Therefore, it has been classified as a Variant of Uncertain Significance.

NM_014915.3(ANKRD26):c.448C>G (p.Leu150Val)

Gene: ANKRD26 (ankyrin repeat domain 26; minus strand). Cytogenetic location: 10p12.1.
Variant type: single nucleotide variant.
Coding change: c.448C>G on transcript NM_014915.3 (MANE Select); coding-DNA position 448, C replaced by G.
Protein change: p.Leu150Val; replaces leucine 150 with valine.
Molecular consequence: missense variant.
Genome position (GRCh38, 1-based): chr10:27,093,432, G>C on the plus strand (C>G on the coding strand, the complement: ANKRD26 is on the minus strand). VCF-style: chr10-27093432-G-C. GRCh37 (hg19) VCF-style: chr10-27382361-G-C.
Other names: c.448C>G, p.Leu150Val (NM_001256053.2); short protein forms L150V.
Identifiers: ClinVar variation 2776607 (VCV002776607.4), dbSNP rs2539286483, ClinGen allele CA376368025.